The following is an entry in ClinVar:

ClinVar aggregate classification (germline): Pathogenic (1 of 4 stars; one submission).

Allele frequency attached by ClinVar (database versions not stated): gnomAD exomes below 0.00001 and 0.00001; gnomAD 0.00001.

Submission:

Labcorp Genetics (formerly Invitae), Labcorp
Classification: Pathogenic. Last evaluated: 2022-11-07. Review status: criteria provided, single submitter. Criteria: Invitae Variant Classification Sherloc (09022015). Collection method: clinical testing. Allele origin: germline.
Comment: This sequence change creates a premature translational stop signal (p.Gly283Trpfs*16) in the HPS1 gene. It is expected to result in an absent or disrupted protein product. Loss-of-function variants in HPS1 are known to be pathogenic (PMID: 12442288, 16185271). For these reasons, this variant has been classified as Pathogenic. ClinVar contains an entry for this variant (Variation ID: 1354870). This variant has not been reported in the literature in individuals affected with HPS1-related conditions. This variant is present in population databases (no rsID available, gnomAD 0.004%).

Literature cited by the submitters: PubMed 12442288; PubMed 16185271.

NM_000195.5(HPS1):c.846dup (p.Gly283fs)

Gene: HPS1 (HPS1 biogenesis of lysosomal organelles complex 3 subunit 1; minus strand). Cytogenetic location: 10q24.2.
Variant type: Duplication.
Coding change: c.846dup on transcript NM_000195.5 (MANE Select); coding-DNA position 846, one base duplicated (T; older notation c.846dupT).
Protein change: p.Gly283fs; shifts the reading frame from glycine 283.
Molecular consequence: frameshift variant. On other transcripts: 5 prime UTR variant (1), intron variant (8).
Genome position (GRCh38, 1-based): chr10:98,429,812, A duplicated on the plus strand (T on the coding strand, the reverse complement: HPS1 is on the minus strand). VCF-style (leftmost placement, unchanged base first): chr10-98429811-C-CA. GRCh37 (hg19) VCF-style: chr10-100189568-C-CA.
Other names: c.846dup, p.Gly283fs (NM_001322476.2, NM_001322477.2, NM_182639.4); c.585dup, p.Gly196fs (NM_001322480.2, NM_001322481.2); c.477dup, p.Gly160fs (NM_001322483.2, NM_001322484.2); c.-127dup (NM_001322487.2); c.728dup, p.Ala246fs (NM_001322490.2); c.769-170dup (NM_001322478.2, NM_001322479.2, NM_001322491.2); c.400-170dup (NM_001322485.2); c.508-170dup (NM_001322482.2); and 2 more; short protein forms A246fs, G283fs, G196fs, G160fs.
Identifiers: ClinVar variation 1354870 (VCV001354870.7), dbSNP rs1564847101, ClinGen allele CA595431929.